The following is an entry in ClinVar:

NM_000179.3(MSH6):c.643del (p.Tyr214_Val215insTer)

Gene: MSH6 (mutS homolog 6; plus strand). Cytogenetic location: 2p16.3.
Variant type: Deletion.
Coding change: c.643del on transcript NM_000179.3 (MANE Select); coding-DNA position 643, one base deleted (G; older notation c.643delG).
Protein change: p.Tyr214_Val215insTer.
Molecular consequence: nonsense. On other transcripts: 5 prime UTR variant (2).
Genome position (GRCh38, 1-based): chr2:47,798,626, G deleted. VCF-style (leftmost placement, unchanged base first): chr2-47798625-CG-C. GRCh37 (hg19) VCF-style: chr2-48025764-CG-C.
Other names: c.253del, p.Tyr84_Val85insTer (NM_001281492.2); c.-264del (NM_001281493.2, NM_001281494.2); c.643delG (NM_000179.2).
Identifiers: ClinVar variation 479909 (VCV000479909.9), dbSNP rs1553412064, ClinGen allele CA658655708.
Genomic context (GRCh38, chr2:47,798,625, plus strand): 5'-TTCCAAATTTTGATTTGTTTTTAAATACTCTTTCCTTGCCTGGCAGGTAGGCACAACTTA[CG>C]TAACAGATAAGAGTGAAGAAGATAATGAAATTGAGAGTGAAGAGGAAGTACAGCCTAAGA-3'

ClinVar aggregate classification (germline): Pathogenic. Review status: criteria provided, multiple submitters, no conflicts (2 of 4 stars). 3 submissions from 3 submitters: Pathogenic (2). 1 of the submissions does not count toward it. Last evaluated 2023-12-15.

Conditions:
Hereditary cancer-predisposing syndrome. Also called: Hereditary Cancer Syndrome; Neoplastic Syndromes, Hereditary; Tumor predisposition; Hereditary neoplastic syndrome. Identifiers: Orphanet 140162, MedGen C0027672, MeSH D009386, MONDO:0015356.
Endometrial carcinoma. Also called: Endometrial carcinoma, somatic. Identifiers: MedGen C0476089, MONDO:0002447, OMIM 608089, HP:0012114.
Hereditary nonpolyposis colorectal neoplasms. Identifiers: MedGen C0009405, MeSH D003123.

Submissions (3):

Labcorp Genetics (formerly Invitae), Labcorp
Classification: Pathogenic for Hereditary nonpolyposis colorectal neoplasms. Last evaluated: 2023-12-15. Review status: criteria provided, single submitter. Criteria: Invitae Variant Classification Sherloc (09022015). Collection method: clinical testing. Allele origin: germline.
Comment: This sequence change creates a premature translational stop signal (p.Val215*) in the MSH6 gene. It is expected to result in an absent or disrupted protein product. Loss-of-function variants in MSH6 are known to be pathogenic (PMID: 18269114, 24362816). This variant is not present in population databases (gnomAD no frequency). This premature translational stop signal has been observed in individual(s) with ovarian cancer (PMID: 28888541). ClinVar contains an entry for this variant (Variation ID: 479909). For these reasons, this variant has been classified as Pathogenic.

Ambry Genetics
Classification: Pathogenic for Hereditary cancer-predisposing syndrome. Last evaluated: 2017-09-28. Review status: criteria provided, single submitter. Criteria: Ambry Variant Classification Scheme 2023. Collection method: clinical testing. Allele origin: germline.
Comment: The c.643delG pathogenic mutation (also known as p.V215*), located in coding exon 4 of the MSH6 gene, results from a deletion of one nucleotide at nucleotide position 643. This changes the amino acid from a valine to a stop codon within coding exon 4. This alteration is expected to result in loss of function by premature protein truncation or nonsense-mediated mRNA decay. As such, this alteration is interpreted as a disease-causing mutation.

CZECANCA consortium
Classification: Pathogenic for Endometrial carcinoma. Last evaluated: 2023-02-21. Review status: no assertion criteria provided. Collection method: clinical testing. Allele origin: germline. Affected: yes. Observed: 1 variant allele. Not counted in ClinVar's aggregate classification.

Literature cited by the submitters: PubMed 18269114 (cited by Labcorp Genetics (formerly Invitae), Labcorp); PubMed 24362816 (cited by Labcorp Genetics (formerly Invitae), Labcorp); PubMed 28888541 (cited by Labcorp Genetics (formerly Invitae), Labcorp).